The following is an entry in ClinVar:

ClinVar aggregate classification (germline): Conflicting classifications of pathogenicity. Review status: criteria provided, conflicting classifications (1 of 4 stars). 12 submissions from 12 submitters: Uncertain significance (1); Benign (7). 4 of the submissions do not count toward it. Last evaluated 2026-09-01.

Conditions:
Early-infantile DEE. Also called: Ohtahara syndrome; Early infantile epileptic encephalopathy with suppression bursts; Early infantile epileptic encephalopathy. Identifiers: Orphanet 1934, MedGen C0393706, MONDO:0800491.
Inborn genetic diseases. Identifiers: MedGen C0950123, MeSH D030342.
Developmental and epileptic encephalopathy, 13 (DEE13). Also called: Early infantile epileptic encephalopathy 13; Developmental and Epileptic Encephalopathy (SCN8A-DEE); SCN8A-Related Epilepsy. Identifiers: Orphanet 442835, MedGen C3281191, MONDO:0013801, OMIM 614558.

Allele frequency attached by ClinVar (database versions not stated): gnomAD exomes 0.01171; TOPMed 0.00829; gnomAD 0.01080 and 0.01112; 1000 Genomes Project 30x 0.00500; ExAC 0.01182; 1000 Genomes Project 0.00479; ESP Exome Variant Server 0.01105.
gnomAD v4.1: 20,133 of 1,613,932 alleles (1.2%); highest among the groups gnomAD compares: Non-Finnish European, 1.4%; 183 homozygotes.

Submissions (12):

CeGaT Center for Human Genetics Tuebingen
Classification: Benign. Last evaluated: 2026-09-01. Review status: criteria provided, single submitter. Criteria: CeGaT Center For Human Genetics Tuebingen Variant Classification Criteria Version 2. Collection method: clinical testing. Allele origin: germline. Affected: yes. Observed: 189 variant alleles.
Comment: SCN8A: BS1, BS2

Labcorp Genetics (formerly Invitae), Labcorp
Classification: Benign for Early-infantile DEE. Last evaluated: 2026-02-03. Review status: criteria provided, single submitter. Criteria: Invitae Variant Classification Sherloc (09022015). Collection method: clinical testing. Allele origin: germline.

Mayo Clinic Laboratories, Mayo Clinic
Classification: Benign. Last evaluated: 2023-06-16. Review status: criteria provided, single submitter. Criteria: ACMG Guidelines, 2015. Collection method: clinical testing. Allele origin: germline. Observed: 43 variant alleles.
Comment: BS1, BS2

Laboratory of Inherited Metabolic Diseases, Research centre for medical genetics
Classification: Uncertain significance for Developmental and epileptic encephalopathy, 13. Last evaluated: 2020-02-14. Review status: criteria provided, single submitter. Criteria: ACMG Guidelines, 2015. Collection method: clinical testing. Allele origin: unknown. Inheritance: Autosomal dominant inheritance. Affected: yes.

Athena Diagnostics
Classification: Benign. Last evaluated: 2019-04-08. Review status: criteria provided, single submitter. Criteria: Athena Diagnostics Criteria. Collection method: clinical testing. Allele origin: germline.

Ambry Genetics
Classification: Benign for Inborn genetic diseases. Last evaluated: 2016-05-06. Review status: criteria provided, single submitter. Criteria: Ambry Variant Classification Scheme 2023. Collection method: clinical testing. Allele origin: germline.

GeneDx
Classification: Benign. Last evaluated: 2013-11-25. Review status: criteria provided, single submitter. Criteria: GeneDx Variant Classification (06012015). Collection method: clinical testing. Allele origin: germline. Affected: yes.
Comment: This variant is considered likely benign or benign based on one or more of the following criteria: it is a conservative change, it occurs at a poorly conserved position in the protein, it is predicted to be benign by multiple in silico algorithms, and/or has population frequency not consistent with disease.

PreventionGenetics, part of Exact Sciences
Classification: Benign. Review status: criteria provided, single submitter. Criteria: ACMG Guidelines, 2015. Collection method: clinical testing. Allele origin: germline.

Genetic Services Laboratory, University of Chicago
Classification: Likely benign for AllHighlyPenetrant. Review status: no assertion criteria provided. Collection method: clinical testing. Allele origin: germline. Inheritance: Autosomal dominant inheritance. Not counted in ClinVar's aggregate classification.
Comment: Likely benign based on allele frequency in 1000 Genomes Project or ESP global frequency and its presence in a patient with a rare or unrelated disease phenotype. NOT Sanger confirmed.

Genome Diagnostics Laboratory, University Medical Center Utrecht
Classification: Likely benign. Review status: no assertion criteria provided. Collection method: clinical testing. Allele origin: germline. Affected: yes. Study: VKGL Data-share Consensus. Not counted in ClinVar's aggregate classification.

Joint Genome Diagnostic Labs from Nijmegen and Maastricht, Radboudumc and MUMC+
Classification: Benign. Review status: no assertion criteria provided. Collection method: clinical testing. Allele origin: germline. Affected: yes. Study: VKGL Data-share Consensus. Not counted in ClinVar's aggregate classification.

Laboratory of Diagnostic Genome Analysis, Leiden University Medical Center (LUMC)
Classification: Likely benign. Review status: no assertion criteria provided. Collection method: clinical testing. Allele origin: germline. Affected: yes. Study: VKGL Data-share Consensus. Not counted in ClinVar's aggregate classification.

Literature cited by the submitters: PubMed 27875746 (cited by Athena Diagnostics).

NM_001330260.2(SCN8A):c.3076C>T (p.Arg1026Cys)

Gene: SCN8A (sodium voltage-gated channel alpha subunit 8; plus strand). Cytogenetic location: 12q13.13.
Variant type: single nucleotide variant.
Coding change: c.3076C>T on transcript NM_001330260.2 (MANE Select); coding-DNA position 3076, C replaced by T.
Protein change: p.Arg1026Cys; replaces arginine 1026 with cysteine.
Molecular consequence: missense variant.
Genome position (GRCh38, 1-based): chr12:51,769,039, C>T. VCF-style: chr12-51769039-C-T. GRCh37 (hg19) VCF-style: chr12-52162823-C-T.
Other names: p.R1026C:CGT>TGT; c.3076C>T, p.Arg1026Cys (NM_001177984.3, NM_001369788.1, NM_014191.4); short protein forms R1026C.
Identifiers: ClinVar variation 130244 (VCV000130244.57), dbSNP rs117217073, ClinGen allele CA289034.
Genomic context (GRCh38, chr12:51,769,039, plus strand): 5'-AAGGGTGTGGCCTGGACCAAACTAAAGGTGCACGCCTTCATGCAGGCCCACTTTAAGCAG[C>T]GTGAGGCTGATGAGGTGAAGCCTCTGGATGAGTTGTATGAAAAGAAGGCCAACTGTATCG-3'
Protein context (NP_001317189.1, residues 1016-1036): HAFMQAHFKQ[Arg1026Cys]EADEVKPLDE